The following is an entry in ClinVar:

NM_006618.5(KDM5B):c.1856G>T (p.Arg619Leu)

Gene: KDM5B (lysine demethylase 5B; minus strand). Cytogenetic location: 1q32.1.
Variant type: single nucleotide variant.
Coding change: c.1856G>T on transcript NM_006618.5 (MANE Select); coding-DNA position 1856, G replaced by T.
Protein change: p.Arg619Leu; replaces arginine 619 with leucine.
Molecular consequence: missense variant.
Genome position (GRCh38, 1-based): chr1:202,749,105, C>A on the plus strand (G>T on the coding strand, the complement: KDM5B is on the minus strand). VCF-style: chr1-202749105-C-A. GRCh37 (hg19) VCF-style: chr1-202718233-C-A.
Other names: c.1964G>T, p.Arg655Leu (NM_001314042.2); c.1721G>T, p.Arg574Leu (NM_001347591.2); c.1841G>T, p.Arg614Leu (NM_001399817.1); short protein forms R574L, R614L, R619L, R655L.
Identifiers: ClinVar variation 2499416 (VCV002499416.1), dbSNP rs1167029210, ClinGen allele CA344267154.

ClinVar aggregate classification (germline): Uncertain significance (1 of 4 stars; one submission).

Submission:

GeneDx
Classification: Uncertain significance. Last evaluated: 2022-10-12. Review status: criteria provided, single submitter. Criteria: GeneDx Variant Classification Process June 2021. Collection method: clinical testing. Allele origin: germline. Affected: yes.
Comment: Not observed at significant frequency in large population cohorts (gnomAD); In silico analysis supports that this missense variant has a deleterious effect on protein structure/function; Has not been previously published as pathogenic or benign to our knowledge